The following is an entry in ClinVar:

ClinVar aggregate classification (germline): Uncertain significance (1 of 4 stars; one submission).

Allele frequency attached by ClinVar (database versions not stated): gnomAD exomes below 0.00001; gnomAD 0.00001; 1000 Genomes Project 30x 0.00016; 1000 Genomes Project 0.00020.
gnomAD v4.1: 2 of 1,556,654 alleles (0.00013%); highest among the groups gnomAD compares: East Asian, 0.0024%; no homozygotes.

Submission:

GeneDx
Classification: Uncertain significance. Last evaluated: 2022-08-11. Review status: criteria provided, single submitter. Criteria: GeneDx Variant Classification Process June 2021. Collection method: clinical testing. Allele origin: germline. Affected: yes.
Comment: Not observed at significant frequency in large population cohorts (gnomAD); In silico analysis supports that this missense variant has a deleterious effect on protein structure/function; Has not been previously published as pathogenic or benign to our knowledge

NM_000810.4(GABRA5):c.898A>G (p.Met300Val)

Gene: GABRA5 (gamma-aminobutyric acid type A receptor subunit alpha5; plus strand). Cytogenetic location: 15q12.
Variant type: single nucleotide variant.
Coding change: c.898A>G on transcript NM_000810.4 (MANE Select); coding-DNA position 898, A replaced by G.
Protein change: p.Met300Val; replaces methionine 300 with valine.
Molecular consequence: missense variant.
Genome position (GRCh38, 1-based): chr15:26,943,235, A>G. VCF-style: chr15-26943235-A-G. GRCh37 (hg19) VCF-style: chr15-27188382-A-G.
Other names: c.898A>G, p.Met300Val (NM_001165037.2); short protein forms M300V.
Identifiers: ClinVar variation 2429554 (VCV002429554.1), dbSNP rs576311786, ClinGen allele CA268199856.
Genomic context (GRCh38, chr15:26,943,235, plus strand): 5'-CTGTTTCCGTTTTTCACTCTGCCCTGCCTGACCCCCGCAGGGGTCACCACGGTGCTGACC[A>G]TGACGACCCTCAGCATCAGCGCCAGGAACTCTCTGCCCAAAGTGGCCTACGCCACCGCCA-3'
Protein context (NP_000801.1, residues 290-310): TVFGVTTVLT[Met300Val]TTLSISARNS